The following is an entry in ClinVar:

NM_001164508.2(NEB):c.10299C>G (p.Asp3433Glu)

Gene: NEB (nebulin; minus strand). Cytogenetic location: 2q23.3.
Variant type: single nucleotide variant.
Coding change: c.10299C>G on transcript NM_001164508.2 (MANE Select); coding-DNA position 10299, C replaced by G.
Protein change: p.Asp3433Glu; replaces aspartic acid 3433 with glutamic acid.
Molecular consequence: missense variant.
Genome position (GRCh38, 1-based): chr2:151,627,050, G>C on the plus strand (C>G on the coding strand, the complement: NEB is on the minus strand). VCF-style: chr2-151627050-G-C. GRCh37 (hg19) VCF-style: chr2-152483564-G-C.
Other names: c.10299C>G, p.Asp3433Glu (NM_001164507.2, NM_001271208.2); c.9570C>G, p.Asp3190Glu (NM_004543.5); c.9570C>G (NM_004543.4); short protein forms D3433E, D3190E.
Identifiers: ClinVar variation 383366 (VCV000383366.25), dbSNP rs180847025, ClinGen allele CA1909073.

ClinVar aggregate classification (germline): Uncertain significance. Review status: criteria provided, multiple submitters, no conflicts (2 of 4 stars). 5 submissions from 5 submitters: Uncertain significance (5). Last evaluated 2025-09-04.

Conditions:
Inborn genetic diseases. Identifiers: MedGen C0950123, MeSH D030342.
Nemaline myopathy 2 (NEM2). Also called: Nemaline myopathy 2, autosomal recessive. Identifiers: MedGen C1850569, MONDO:0009725, OMIM 256030.

Allele frequency attached by ClinVar (database versions not stated): gnomAD 0.00005 and 0.00006; TOPMed 0.00006; ESP Exome Variant Server 0.00008.
gnomAD v4.1: 233 of 1,613,842 alleles (0.014%); highest among the groups gnomAD compares: Non-Finnish European, 0.019%; no homozygotes.

Submissions (5):

Ambry Genetics
Classification: Uncertain significance for Inborn genetic diseases. Last evaluated: 2025-09-04. Review status: criteria provided, single submitter. Criteria: Ambry Variant Classification Scheme 2023. Collection method: clinical testing. Allele origin: germline.

CeGaT Center for Human Genetics Tuebingen
Classification: Uncertain significance. Last evaluated: 2025-02-01. Review status: criteria provided, single submitter. Criteria: CeGaT Center For Human Genetics Tuebingen Variant Classification Criteria Version 2. Collection method: clinical testing. Allele origin: germline. Affected: yes. Observed: 1 variant allele.

Labcorp Genetics (formerly Invitae), Labcorp
Classification: Uncertain significance for Nemaline myopathy 2. Last evaluated: 2024-10-14. Review status: criteria provided, single submitter. Criteria: Invitae Variant Classification Sherloc (09022015). Collection method: clinical testing. Allele origin: germline.
Comment: This sequence change replaces aspartic acid, which is acidic and polar, with glutamic acid, which is acidic and polar, at codon 3433 of the NEB protein (p.Asp3433Glu). This variant is present in population databases (rs180847025, gnomAD 0.02%). This missense change has been observed in individual(s) with clinical features of NEB-related conditions (internal data). ClinVar contains an entry for this variant (Variation ID: 383366). Experimental studies and prediction algorithms are not available or were not evaluated, and the functional significance of this variant is currently unknown. In summary, the available evidence is currently insufficient to determine the role of this variant in disease. Therefore, it has been classified as a Variant of Uncertain Significance.

Blueprint Genetics
Classification: Uncertain significance. Last evaluated: 2024-04-17. Review status: criteria provided, single submitter. Criteria: ACMG Guidelines, 2015. Collection method: clinical testing. Allele origin: germline.

GeneDx
Classification: Uncertain significance. Last evaluated: 2024-01-25. Review status: criteria provided, single submitter. Criteria: GeneDx Variant Classification Process June 2021. Collection method: clinical testing. Allele origin: germline. Affected: yes.
Comment: In silico analysis supports that this missense variant does not alter protein structure/function; Has not been previously published as pathogenic or benign to our knowledge